The following is an entry in ClinVar:

NM_001136035.4(TRMT1):c.1227C>T (p.Gly409=)

Gene: TRMT1 (tRNA methyltransferase 1; minus strand). Cytogenetic location: 19p13.13.
Variant type: single nucleotide variant.
Coding change: c.1227C>T on transcript NM_001136035.4 (MANE Select); coding-DNA position 1227, C replaced by T.
Protein change: p.Gly409=; no amino-acid change (glycine 409 retained).
Molecular consequence: synonymous variant.
Genome position (GRCh38, 1-based): chr19:13,109,634, G>A on the plus strand (C>T on the coding strand, the complement: TRMT1 is on the minus strand). VCF-style: chr19-13109634-G-A. GRCh37 (hg19) VCF-style: chr19-13220448-G-A.
Other names: c.1140C>T, p.Gly380= (NM_001142554.3, NM_001351760.2); c.1119C>T, p.Gly373= (NM_001351761.2); c.444C>T, p.Gly148= (NM_001351762.2); c.1227C>T, p.Gly409= (NM_017722.5).
Identifiers: ClinVar variation 3234225 (VCV003234225.20), dbSNP rs554302349, ClinGen allele CA9237719.
Genomic context (GRCh38, chr19:13,109,634, plus strand): 5'-TCGGATCCGCTCCGAGGTGTGGAAGCGGCCGGGGTTAGCGCTCACAGCCTCCAGGACACG[G>A]CCCACAAAATCCAGGTCATGGATGGGCTCTGCCCACATGGGGCCACCAAGCTGGGGGCGC-3'
Protein context (NP_001129507.1, residues 399-419): AEPIHDLDFV[Gly409=]RVLEAVSANP

ClinVar aggregate classification (germline): Likely benign (1 of 4 stars; one submission).

Allele frequency attached by ClinVar (database versions not stated): ExAC 0.00003; TOPMed 0.00004; gnomAD 0.00007; gnomAD exomes 0.00011.

Submission:

CeGaT Center for Human Genetics Tuebingen
Classification: Likely benign. Last evaluated: 2025-07-01. Review status: criteria provided, single submitter. Criteria: CeGaT Center For Human Genetics Tuebingen Variant Classification Criteria Version 2. Collection method: clinical testing. Allele origin: germline. Affected: yes. Observed: 2 variant alleles.
Comment: TRMT1: BP4, BP7